The following is an entry in ClinVar:

ClinVar aggregate classification (germline): Pathogenic (1 of 4 stars; one submission).

Conditions:
Glycogen storage disease IXb (GSD9B). Also called: GLYCOGENOSIS OF LIVER AND MUSCLE, AUTOSOMAL RECESSIVE; GSD IXb; PHOSPHORYLASE KINASE DEFICIENCY OF LIVER AND MUSCLE, AUTOSOMAL RECESSIVE. Identifiers: Orphanet 79240, MedGen C0543514, MONDO:0009868, OMIM 261750.

Submission:

Labcorp Genetics (formerly Invitae), Labcorp
Classification: Pathogenic for Glycogen storage disease IXb. Last evaluated: 2022-12-14. Review status: criteria provided, single submitter. Criteria: Invitae Variant Classification Sherloc (09022015). Collection method: clinical testing. Allele origin: germline.
Comment: This sequence change creates a premature translational stop signal (p.His290*) in the PHKB gene. It is expected to result in an absent or disrupted protein product. Loss-of-function variants in PHKB are known to be pathogenic (PMID: 9215682, 9326319). This variant is not present in population databases (gnomAD no frequency). This variant has not been reported in the literature in individuals affected with PHKB-related conditions. For these reasons, this variant has been classified as Pathogenic.

Literature cited by the submitters: PubMed 9215682; PubMed 9326319.

NM_000293.3(PHKB):c.868_869del (p.Ser289_His290insTer)

Gene: PHKB (phosphorylase kinase regulatory subunit beta; plus strand). Cytogenetic location: 16q12.1.
Variant type: Microsatellite.
Coding change: c.868_869del on transcript NM_000293.3 (MANE Select); coding-DNA positions 868 to 869, 2 bases deleted (CA; older notation c.868_869delCA).
Protein change: p.Ser289_His290insTer.
Molecular consequence: nonsense.
Genome position (GRCh38, 1-based): chr16:47,587,761-47,587,762, CA deleted; deleting any 2 consecutive bases within chr16:47,587,759-47,587,762 gives the same sequence; the c. name uses the placement nearest the transcript's 3' end. VCF-style (leftmost placement, unchanged base first): chr16-47587758-TCA-T. GRCh37 (hg19) VCF-style: chr16-47621669-TCA-T.
Other names: c.847_848del, p.Ser282_His283insTer (NM_001031835.3); c.868_869del, p.Ser289_His290insTer (NM_001363837.1).
Identifiers: ClinVar variation 2820694 (VCV002820694.3), dbSNP rs2506372466, ClinGen allele CA2739266751.